The following is an entry in ClinVar:

ClinVar aggregate classification (germline): Uncertain significance. Review status: criteria provided, multiple submitters, no conflicts (2 of 4 stars). 2 submissions from 2 submitters: Uncertain significance (2). Last evaluated 2026-02-26.

Conditions:
Neurofibromatosis, type 1 (NF1). Also called: Peripheral type neurofibromatosis; VON RECKLINGHAUSEN DISEASE; NEUROFIBROMATOSIS, TYPE I, SOMATIC; Neurofibromatosis, type I. Identifiers: Orphanet 636, MedGen C0027831, MONDO:0018975, OMIM 162200. Disease mechanism: loss of function.

Allele frequency attached by ClinVar (database versions not stated): gnomAD 0.00001.
gnomAD v4.1: 1 of 1,614,088 alleles (0.000062%); highest among the groups gnomAD compares: African/African-American, 0.0013%; no homozygotes.

Submissions (2):

NHS Central & South Genomic Laboratory Hub
Classification: Uncertain significance for Neurofibromatosis type 1. Last evaluated: 2026-02-26. Review status: criteria provided, single submitter. Criteria: ACMG Guidelines, 2015. Collection method: clinical testing. Allele origin: germline. Affected: yes.

Labcorp Genetics (formerly Invitae), Labcorp
Classification: Uncertain significance for Neurofibromatosis, type 1. Last evaluated: 2022-09-15. Review status: criteria provided, single submitter. Criteria: Invitae Variant Classification Sherloc (09022015). Collection method: clinical testing. Allele origin: germline.
Comment: Advanced modeling of protein sequence and biophysical properties (such as structural, functional, and spatial information, amino acid conservation, physicochemical variation, residue mobility, and thermodynamic stability) performed at Invitae indicates that this missense variant is expected to disrupt NF1 protein function. In summary, the available evidence is currently insufficient to determine the role of this variant in disease. Therefore, it has been classified as a Variant of Uncertain Significance. This variant has not been reported in the literature in individuals affected with NF1-related conditions. This sequence change replaces tryptophan, which is neutral and slightly polar, with cysteine, which is neutral and slightly polar, at codon 1810 of the NF1 protein (p.Trp1810Cys). This variant is not present in population databases (gnomAD no frequency).

NM_001042492.3(NF1):c.5493G>C (p.Trp1831Cys)

Gene: NF1 (neurofibromin 1; plus strand). Cytogenetic location: 17q11.2.
Variant type: single nucleotide variant.
Coding change: c.5493G>C on transcript NM_001042492.3 (MANE Select); coding-DNA position 5493, G replaced by C.
Protein change: p.Trp1831Cys; replaces tryptophan 1831 with cysteine.
Molecular consequence: missense variant.
Genome position (GRCh38, 1-based): chr17:31,327,723, G>C. VCF-style: chr17-31327723-G-C. GRCh37 (hg19) VCF-style: chr17-29654741-G-C.
Other names: c.5430G>C, p.Trp1810Cys (NM_000267.4); short protein forms W1810C, W1831C.
Identifiers: ClinVar variation 1719550 (VCV001719550.6), dbSNP rs2069382585, ClinGen allele CA399009584.
Genomic context (GRCh38, chr17:31,327,723, plus strand): 5'-CTTCATGCACCAGGAGTGTGAAGCCATTGTCCAGTCTATCATTCATATCCGGACCCGCTG[G>C]GAACTGTCACAGCCCGACTCTATCCCCCAACACACCAAGATTCGGCCAAAAGATGTCCCT-3'
Protein context (NP_001035957.1, residues 1821-1841): VQSIIHIRTR[Trp1831Cys]ELSQPDSIPQ